The following is an entry in ClinVar:

NM_001267550.2(TTN):c.1031dup (p.Trp345fs)

Gene: TTN (titin; minus strand). Cytogenetic location: 2q31.2.
Variant type: Duplication.
Coding change: c.1031dup on transcript NM_001267550.2 (MANE Select); coding-DNA position 1031, one base duplicated (C; older notation c.1031dupC).
Protein change: p.Trp345fs; shifts the reading frame from tryptophan 345.
Molecular consequence: frameshift variant.
Genome position (GRCh38, 1-based): chr2:178,795,136, G duplicated on the plus strand (C on the coding strand, the reverse complement: TTN is on the minus strand); the first of 5 consecutive G bases (chr2:178,795,136-178,795,140); duplicating any one gives the same sequence. VCF-style (leftmost placement, unchanged base first): chr2-178795135-A-AG. GRCh37 (hg19) VCF-style: chr2-179659862-A-AG.
Other names: c.1031dup, p.Trp345fs (NM_001256850.1, NM_003319.4, NM_133378.4 and 3 more transcripts); short protein forms W345fs.
Identifiers: ClinVar variation 4785427 (VCV004785427.1).
Genomic context (GRCh38, chr2:178,795,135, plus strand): 5'-CAGCGTTGTCTCTCTCATCTCAGCCTCAGATGAGGAGGCCACGTAGCCCTCTTGCTTCCA[A>AG]GGGGGAGGCACTTCAGGACCTGTGGCCACGGTGGATGCCTGAGTCTTACGCATGAGCAAT-3'

ClinVar aggregate classification (germline): Likely pathogenic (1 of 4 stars; one submission).

Conditions:
Autosomal recessive limb-girdle muscular dystrophy type 2J (LGMDR10). Also called: Limb-girdle muscular dystrophy, type 2J; MUSCULAR DYSTROPHY, LIMB-GIRDLE, AUTOSOMAL RECESSIVE 10. Identifiers: Orphanet 140922, MedGen C1837342, MONDO:0012127, OMIM 608807.
Dilated cardiomyopathy 1G (CMD1G). Identifiers: Orphanet 154, MedGen C1858763, MONDO:0011400, OMIM 604145.

Submission:

Labcorp Genetics (formerly Invitae), Labcorp
Classification: Likely pathogenic for Dilated cardiomyopathy 1G; Autosomal recessive limb-girdle muscular dystrophy type 2J. Last evaluated: 2025-06-29. Review status: criteria provided, single submitter. Criteria: Invitae Variant Classification Sherloc (09022015). Collection method: clinical testing. Allele origin: germline.
Comment: This sequence change creates a premature translational stop signal (p.Trp345Leufs*12) in the TTN gene. While this is not anticipated to result in nonsense mediated decay, it is expected to create a truncated TTN protein. This variant is not present in population databases (gnomAD no frequency). This variant has not been reported in the literature in individuals affected with TTN-related conditions. This variant is located in the Z band of TTN (PMID: 25589632). Truncating variants in this region have been reported in individuals affected with autosomal recessive centronuclear myopathy (PMID: 33449170, internal data). Truncating variants in this region have also been identified in individuals affected with autosomal dominant dilated cardiomyopathy and/or cardio-related conditions (PMID: 27869827, 32964742, internal data). In summary, the currently available evidence indicates that the variant is pathogenic, but additional data are needed to prove that conclusively. Therefore, this variant has been classified as Likely Pathogenic.

Literature cited by the submitters: PubMed 25589632; PubMed 33449170; PubMed 27869827; PubMed 32964742.